The following is an entry in ClinVar:

ClinVar aggregate classification (germline): Uncertain significance (1 of 4 stars; one submission).

Submission:

Labcorp Genetics (formerly Invitae), Labcorp
Classification: Uncertain significance. Last evaluated: 2025-02-10. Review status: criteria provided, single submitter. Criteria: Invitae Variant Classification Sherloc (09022015). Collection method: clinical testing. Allele origin: germline.
Comment: This sequence change replaces glutamine, which is neutral and polar, with histidine, which is basic and polar, at codon 291 of the KMT2E protein (p.Gln291His). This variant is not present in population databases (gnomAD no frequency). This variant has not been reported in the literature in individuals affected with KMT2E-related conditions. Invitae Evidence Modeling of protein sequence and biophysical properties (such as structural, functional, and spatial information, amino acid conservation, physicochemical variation, residue mobility, and thermodynamic stability) indicates that this missense variant is not expected to disrupt KMT2E protein function with a negative predictive value of 80%. In summary, the available evidence is currently insufficient to determine the role of this variant in disease. Therefore, it has been classified as a Variant of Uncertain Significance.

NM_182931.3(KMT2E):c.873G>C (p.Gln291His)

Gene: KMT2E (lysine methyltransferase 2E (inactive); plus strand). Cytogenetic location: 7q22.3.
Variant type: single nucleotide variant.
Coding change: c.873G>C on transcript NM_182931.3 (MANE Select); coding-DNA position 873, G replaced by C.
Protein change: p.Gln291His; replaces glutamine 291 with histidine.
Molecular consequence: missense variant.
Genome position (GRCh38, 1-based): chr7:105,077,067, G>C. VCF-style: chr7-105077067-G-C. GRCh37 (hg19) VCF-style: chr7-104717514-G-C.
Other names: c.873G>C, p.Gln291His (NM_001410908.1, NM_018682.4); short protein forms Q291H.
Identifiers: ClinVar variation 4740440 (VCV004740440.1).
Genomic context (GRCh38, chr7:105,077,067, plus strand): 5'-TGGATGGGAGACAAAGATCAAAGCATGGATGGATCGATATGAAGAAGCAAATAACAACCA[G>C]TACAGTGAGGGTGTTCAGAGGGAGGCACAAAGAATAGCTCTGAGATTAGGCAATGGAAAT-3'
Protein context (NP_891847.1, residues 281-301): MDRYEEANNN[Gln291His]YSEGVQREAQ